The following is an entry in ClinVar:

ClinVar aggregate classification (germline): Uncertain significance. Review status: criteria provided, multiple submitters, no conflicts (2 of 4 stars). 2 submissions from 2 submitters: Uncertain significance (2). Last evaluated 2026-01-07.

gnomAD v4.1: 6 of 1,607,578 alleles (0.00037%); highest among the groups gnomAD compares: African/African-American, 0.004%; no homozygotes.

Submissions (2):

Labcorp Genetics (formerly Invitae), Labcorp
Classification: Uncertain significance. Last evaluated: 2026-01-07. Review status: criteria provided, single submitter. Criteria: Invitae Variant Classification Sherloc (09022015). Collection method: clinical testing. Allele origin: germline.
Comment: This sequence change replaces threonine, which is neutral and polar, with methionine, which is neutral and non-polar, at codon 272 of the NFIA protein (p.Thr272Met). This variant is present in population databases (rs780021083, gnomAD 0.003%). This missense change has been observed in individual(s) with autism spectrum disorder (PMID: 27824329, 31133750, 31332282, 35982160). This variant is also known as T317M. ClinVar contains an entry for this variant (Variation ID: 3392574). An algorithm developed to predict the effect of missense changes on protein structure and function (PolyPhen-2) suggests that this variant is likely to be disruptive. In summary, the available evidence is currently insufficient to determine the role of this variant in disease. Therefore, it has been classified as a Variant of Uncertain Significance.

GeneDx
Classification: Uncertain significance. Last evaluated: 2024-06-27. Review status: criteria provided, single submitter. Criteria: GeneDx Variant Classification Process June 2021. Collection method: clinical testing. Allele origin: germline. Affected: yes.
Comment: Reported de novo in a patient with autism spectrum disorder; however, additional clinical information was not provided (PMID: 28714951); Not observed at significant frequency in large population cohorts (gnomAD); In silico analysis indicates that this missense variant does not alter protein structure/function; This variant is associated with the following publications: (PMID: 35982160, 35982159, 31133750, 31785789, 27824329, 31332282, 28714951)

Literature cited by the submitters: PubMed 27824329 (cited by Labcorp Genetics (formerly Invitae), Labcorp); PubMed 31133750 (cited by Labcorp Genetics (formerly Invitae), Labcorp); PubMed 31332282 (cited by Labcorp Genetics (formerly Invitae), Labcorp); PubMed 35982160 (cited by Labcorp Genetics (formerly Invitae), Labcorp).

NM_001134673.4(NFIA):c.815C>T (p.Thr272Met)

Gene: NFIA (nuclear factor I A; plus strand). Cytogenetic location: 1p31.3.
Variant type: single nucleotide variant.
Coding change: c.815C>T on transcript NM_001134673.4 (MANE Select); coding-DNA position 815, C replaced by T.
Protein change: p.Thr272Met; replaces threonine 272 with methionine.
Molecular consequence: missense variant.
Genome position (GRCh38, 1-based): chr1:61,352,564, C>T. VCF-style: chr1-61352564-C-T. GRCh37 (hg19) VCF-style: chr1-61818236-C-T.
Other names: c.791C>T, p.Thr264Met (NM_001145511.2); c.950C>T, p.Thr317Met (NM_001145512.2); c.815C>T, p.Thr272Met (NM_005595.5); short protein forms T264M, T272M, T317M.
Identifiers: ClinVar variation 3392574 (VCV003392574.2).